The following is an entry in ClinVar:

NM_002528.7(NTHL1):c.412G>C (p.Val138Leu)

Gene: NTHL1 (nth like DNA glycosylase 1; minus strand). Cytogenetic location: 16p13.3.
Variant type: single nucleotide variant.
Coding change: c.412G>C on transcript NM_002528.7 (MANE Select); coding-DNA position 412, G replaced by C.
Protein change: p.Val138Leu; replaces valine 138 with leucine.
Molecular consequence: missense variant. On other transcripts: intron variant (1).
Genome position (GRCh38, 1-based): chr16:2,044,743, C>G on the plus strand (G>C on the coding strand, the complement: NTHL1 is on the minus strand). VCF-style: chr16-2044743-C-G. GRCh37 (hg19) VCF-style: chr16-2094744-C-G.
Other names: c.82G>C, p.Val28Leu (NM_001318194.2); c.355-1017G>C (NM_001318193.2); short protein forms V138L, V28L.
Identifiers: ClinVar variation 1004887 (VCV001004887.10), dbSNP rs766774887, ClinGen allele CA7828270.

ClinVar aggregate classification (germline): Uncertain significance. Review status: criteria provided, multiple submitters, no conflicts (2 of 4 stars). 2 submissions from 2 submitters: Uncertain significance (2). Last evaluated 2025-09-04.

Conditions:
Hereditary cancer-predisposing syndrome. Also called: Hereditary neoplastic syndrome; Neoplastic Syndromes, Hereditary; Tumor predisposition; Hereditary Cancer Syndrome. Identifiers: Orphanet 140162, MedGen C0027672, MeSH D009386, MONDO:0015356.

Allele frequency attached by ClinVar (database versions not stated): gnomAD exomes below 0.00001; ExAC 0.00002.
gnomAD v4.1: 1 of 1,612,438 alleles (0.000062%); highest among the groups gnomAD compares: Non-Finnish European, 0.000085%; no homozygotes.

Submissions (2):

Labcorp Genetics (formerly Invitae), Labcorp
Classification: Uncertain significance. Last evaluated: 2025-09-04. Review status: criteria provided, single submitter. Criteria: Invitae Variant Classification Sherloc (09022015). Collection method: clinical testing. Allele origin: germline.
Comment: This sequence change replaces valine, which is neutral and non-polar, with leucine, which is neutral and non-polar, at codon 146 of the NTHL1 protein (p.Val146Leu). This variant is not present in population databases (gnomAD no frequency). This variant has not been reported in the literature in individuals affected with NTHL1-related conditions. ClinVar contains an entry for this variant (Variation ID: 1004887). An algorithm developed to predict the effect of missense changes on protein structure and function (PolyPhen-2) suggests that this variant is likely to be tolerated. In summary, the available evidence is currently insufficient to determine the role of this variant in disease. Therefore, it has been classified as a Variant of Uncertain Significance.

Ambry Genetics
Classification: Uncertain significance for Hereditary cancer-predisposing syndrome. Last evaluated: 2024-05-26. Review status: criteria provided, single submitter. Criteria: Ambry Variant Classification Scheme 2023. Collection method: clinical testing. Allele origin: germline.
Comment: The p.V146L variant (also known as c.436G>C), located in coding exon 3 of the NTHL1 gene, results from a G to C substitution at nucleotide position 436. The valine at codon 146 is replaced by leucine, an amino acid with highly similar properties. This amino acid position is conserved. In addition, this alteration is predicted to be deleterious by in silico analysis. Since supporting evidence is limited at this time, the clinical significance of this alteration remains unclear.